The following is an entry in ClinVar:

ClinVar aggregate classification (germline): Pathogenic/Likely pathogenic. Review status: criteria provided, multiple submitters, no conflicts (2 of 4 stars). 2 submissions from 2 submitters: Pathogenic (1); Likely pathogenic (1). Last evaluated 2025-12-26.

Conditions:
Hypogonadotropic hypogonadism. Also called: Low gonadotropins (secondary hypogonadism); Hypogonadotropic hypogonadism with or without anosmia; Hypogonadotrophic hypogonadism; Isolated hypogonadotropic hypogonadism. Identifiers: Orphanet 432, MedGen C0271623, MONDO:0018555, HP:0000044.

gnomAD v4.1: 7 of 1,544,756 alleles (0.00045%); highest among the groups gnomAD compares: Non-Finnish European, 0.00063%; no homozygotes.

Submissions (2):

Labcorp Genetics (formerly Invitae), Labcorp
Classification: Pathogenic. Last evaluated: 2025-12-26. Review status: criteria provided, single submitter. Criteria: Invitae Variant Classification Sherloc (09022015). Collection method: clinical testing. Allele origin: germline.
Comment: This sequence change affects a donor splice site in intron 2 of the GNRHR gene. While this variant is not anticipated to result in nonsense mediated decay, it likely alters RNA splicing and results in a disrupted protein product. This variant is not present in population databases (gnomAD no frequency). This variant has not been reported in the literature in individuals affected with GNRHR-related conditions. ClinVar contains an entry for this variant (Variation ID: 3776762). Variants that disrupt the consensus splice site are a relatively common cause of aberrant splicing (PMID: 17576681, 9536098). Algorithms developed to predict the effect of sequence changes on RNA splicing suggest that this variant may disrupt the consensus splice site. This variant disrupts a region of the GNRHR protein in which other variant(s) (p.Leu314*) have been determined to be pathogenic (PMID: 10999776). This suggests that this is a clinically significant region of the protein, and that variants that disrupt it are likely to be disease-causing. For these reasons, this variant has been classified as Pathogenic.

NHS Central & South Genomic Laboratory Hub
Classification: Likely pathogenic for Hypogonadotropic hypogonadism. Last evaluated: 2025-04-09. Review status: criteria provided, single submitter. Criteria: ACMG Guidelines, 2015. Collection method: clinical testing. Allele origin: germline. Affected: yes.

Literature cited by the submitters: PubMed 17576681 (cited by Labcorp Genetics (formerly Invitae), Labcorp); PubMed 9536098 (cited by Labcorp Genetics (formerly Invitae), Labcorp); PubMed 10999776 (cited by Labcorp Genetics (formerly Invitae), Labcorp).

NM_000406.3(GNRHR):c.742+2T>C

Gene: GNRHR (gonadotropin releasing hormone receptor; minus strand). Cytogenetic location: 4q13.2.
Variant type: single nucleotide variant.
Coding change: c.742+2T>C on transcript NM_000406.3 (MANE Select); the canonical splice donor site of the intron after coding-DNA position 742, T replaced by C.
Molecular consequence: splice donor variant.
Genome position (GRCh38, 1-based): chr4:67,744,566, A>G on the plus strand (T>C on the coding strand, the complement: GNRHR is on the minus strand). VCF-style: chr4-67744566-A-G. GRCh37 (hg19) VCF-style: chr4-68610284-A-G.
Other names: c.614+2T>C (NM_001012763.2).
Identifiers: ClinVar variation 3776762 (VCV003776762.2).